The following is an entry in ClinVar:

ClinVar aggregate classification (germline): Uncertain significance (1 of 4 stars; one submission).

Conditions:
Familial adenomatous polyposis 1 (FAP1). Also called: POLYPOSIS, ADENOMATOUS INTESTINAL; FAMILIAL ADENOMATOUS POLYPOSIS 1, ATTENUATED. Identifiers: MedGen C2713442, MONDO:0021056, OMIM 175100. Disease mechanism: loss of function.

Submission:

Labcorp Genetics (formerly Invitae), Labcorp
Classification: Uncertain significance for Familial adenomatous polyposis 1. Last evaluated: 2019-07-05. Review status: criteria provided, single submitter. Criteria: Invitae Variant Classification Sherloc (09022015). Collection method: clinical testing. Allele origin: germline.
Comment: This variant is not present in population databases (ExAC no frequency). This sequence change replaces serine with glycine at codon 2239 of the APC protein (p.Ser2239Gly). The serine residue is highly conserved and there is a small physicochemical difference between serine and glycine. This variant has not been reported in the literature in individuals with APC-related conditions. Algorithms developed to predict the effect of missense changes on protein structure and function are either unavailable or do not agree on the potential impact of this missense change (SIFT: "Tolerated"; PolyPhen-2: "Probably Damaging"; Align-GVGD: "Class C0"). In summary, the available evidence is currently insufficient to determine the role of this variant in disease. Therefore, it has been classified as a Variant of Uncertain Significance.

NM_000038.6(APC):c.6715A>G (p.Ser2239Gly)

Gene: APC (APC regulator of Wnt signaling pathway; plus strand). Cytogenetic location: 5q22.2.
Variant type: single nucleotide variant.
Coding change: c.6715A>G on transcript NM_000038.6 (MANE Select); coding-DNA position 6715, A replaced by G.
Protein change: p.Ser2239Gly; replaces serine 2239 with glycine.
Molecular consequence: missense variant.
Genome position (GRCh38, 1-based): chr5:112,842,309, A>G. VCF-style: chr5-112842309-A-G. GRCh37 (hg19) VCF-style: chr5-112178006-A-G.
Other names: c.6715A>G, p.Ser2239Gly (NM_001127510.3, NM_001354895.2); c.6661A>G, p.Ser2221Gly (NM_001127511.3); c.6769A>G, p.Ser2257Gly (NM_001354896.2); c.6745A>G, p.Ser2249Gly (NM_001354897.2); c.6640A>G, p.Ser2214Gly (NM_001354898.2); c.6631A>G, p.Ser2211Gly (NM_001354899.2); c.6592A>G, p.Ser2198Gly (NM_001354900.2); c.6538A>G, p.Ser2180Gly (NM_001354901.2); and 5 more; short protein forms S2079G, S2138G, S2249G, S1956G, S2148G, S2198G, S2214G, S2113G.
Identifiers: ClinVar variation 933829 (VCV000933829.11), dbSNP rs1766282552, ClinGen allele CA16036007.